The following is an entry in ClinVar:

ClinVar aggregate classification (germline): Uncertain significance (1 of 4 stars; one submission).

Conditions:
Bloom syndrome (BLM). Also called: Bloom-Torre-Machacek syndrome. Identifiers: Orphanet 125, MedGen C0005859, MONDO:0008876, OMIM 210900.

Submission:

Labcorp Genetics (formerly Invitae), Labcorp
Classification: Uncertain significance for Bloom syndrome. Last evaluated: 2025-09-10. Review status: criteria provided, single submitter. Criteria: Invitae Variant Classification Sherloc (09022015). Collection method: clinical testing. Allele origin: germline.
Comment: This sequence change replaces aspartic acid, which is acidic and polar, with glycine, which is neutral and non-polar, at codon 562 of the BLM protein (p.Asp562Gly). This variant is not present in population databases (gnomAD no frequency). This variant has not been reported in the literature in individuals affected with BLM-related conditions. Invitae Evidence Modeling of protein sequence and biophysical properties (such as structural, functional, and spatial information, amino acid conservation, physicochemical variation, residue mobility, and thermodynamic stability) indicates that this missense variant is not expected to disrupt BLM protein function with a negative predictive value of 80%. In summary, the available evidence is currently insufficient to determine the role of this variant in disease. Therefore, it has been classified as a Variant of Uncertain Significance.

NM_000057.4(BLM):c.1685A>G (p.Asp562Gly)

Gene: BLM (BLM RecQ like helicase; plus strand). Cytogenetic location: 15q26.1.
Variant type: single nucleotide variant.
Coding change: c.1685A>G on transcript NM_000057.4 (MANE Select); coding-DNA position 1685, A replaced by G.
Protein change: p.Asp562Gly; replaces aspartic acid 562 with glycine.
Molecular consequence: missense variant.
Genome position (GRCh38, 1-based): chr15:90,761,058, A>G. VCF-style: chr15-90761058-A-G. GRCh37 (hg19) VCF-style: chr15-91304288-A-G.
Other names: c.1685A>G, p.Asp562Gly (NM_001287246.2, NM_001287247.2); c.560A>G, p.Asp187Gly (NM_001287248.2); short protein forms D187G, D562G.
Identifiers: ClinVar variation 4742614 (VCV004742614.1).